The following is an entry in ClinVar:

ClinVar aggregate classification (germline): Uncertain significance (1 of 4 stars; one submission).

gnomAD v4.1: 1 of 1,275,714 alleles (0.000078%); highest among the groups gnomAD compares: Non-Finnish European, 0.000099%; no homozygotes.

Submission:

Women's Health and Genetics/Laboratory Corporation of America, LabCorp
Classification: Uncertain significance. Last evaluated: 2025-03-03. Review status: criteria provided, single submitter. Criteria: LabCorp Variant Classification Summary - May 2015. Collection method: clinical testing. Allele origin: germline.
Comment: Variant summary: GDF1 c.776T>C (p.Leu259Ser) results in a non-conservative amino acid change in the encoded protein sequence. Three of four in-silico tools predict a benign effect of the variant on protein function. The variant was absent in 40194 control chromosomes. The available data on variant occurrences in the general population are insufficient to allow any conclusion about variant significance. To our knowledge, no occurrence of c.776T>C in individuals affected with Congenital Heart Disease and no experimental evidence demonstrating its impact on protein function have been reported. No submitters have cited clinical-significance assessments for this variant to ClinVar. Based on the evidence outlined above, the variant was classified as uncertain significance.

NM_001492.6(GDF1):c.776T>C (p.Leu259Ser)

Genes: CERS1 (ceramide synthase 1; minus strand), GDF1 (growth differentiation factor 1; minus strand). Cytogenetic location: 19p13.11.
Variant type: single nucleotide variant.
Coding change: c.776T>C on transcript NM_001492.6 (MANE Select); coding-DNA position 776, T replaced by C.
Protein change: p.Leu259Ser; replaces leucine 259 with serine.
Molecular consequence: missense variant. On other transcripts: 3 prime UTR variant (2).
Genome position (GRCh38, 1-based): chr19:18,868,940, A>G on the plus strand (T>C on the coding strand, the complement: GDF1 is on the minus strand). VCF-style: chr19-18868940-A-G. GRCh37 (hg19) VCF-style: chr19-18979749-A-G.
Other names: c.*1637T>C (NM_001387440.1); c.*1045T>C (NM_021267.5); c.776T>C, p.Leu259Ser (NM_001387438.1); short protein forms L259S.
Identifiers: ClinVar variation 3895861 (VCV003895861.1).